The following is an entry in ClinVar:

NM_007294.4(BRCA1):c.744C>T (p.Thr248=)

Gene: BRCA1 (BRCA1 DNA repair associated; minus strand). Cytogenetic location: 17q21.31.
Variant type: single nucleotide variant.
Coding change: c.744C>T on transcript NM_007294.4 (MANE Select); coding-DNA position 744, C replaced by T.
Protein change: p.Thr248=; no amino-acid change (threonine 248 retained).
Molecular consequence: synonymous variant. On other transcripts: 5 prime UTR variant (2), intron variant (13).
Genome position (GRCh38, 1-based): chr17:43,094,787, G>A on the plus strand (C>T on the coding strand, the complement: BRCA1 is on the minus strand). VCF-style: chr17-43094787-G-A. GRCh37 (hg19) VCF-style: chr17-41246804-G-A.
Other names: c.534C>T, p.Thr178= (NM_001408492.1, NM_001408513.1, NM_001408514.1 and 25 more transcripts); c.531C>T, p.Thr177= (NM_001408493.1, NM_001407571.1, NM_001407853.1 and 12 more transcripts); c.480C>T, p.Thr160= (NM_001408496.1, NM_001408497.1, NM_001408498.1 and 15 more transcripts); c.363C>T, p.Thr121= (NM_001408510.1, NM_001407959.1, NM_001407960.1 and 1 more transcripts); c.240C>T, p.Thr80= (NM_001408512.1, NM_001407965.1); c.603C>T, p.Thr201= (NM_007297.4, NM_001407692.1, NM_001407694.1 and 43 more transcripts); c.744C>T, p.Thr248= (NM_007298.4, NM_007299.4, NM_007300.4 and 54 more transcripts); c.411C>T, p.Thr137= (NM_001408502.1, NM_001407946.1, NM_001407947.1 and 7 more transcripts); and 20 more.
Identifiers: ClinVar variation 506303 (VCV000506303.15), dbSNP rs886037791, ClinGen allele CA500233562.

ClinVar aggregate classification (germline): Likely benign. Review status: criteria provided, multiple submitters, no conflicts (2 of 4 stars). 4 submissions from 4 submitters: Likely benign (4). Last evaluated 2025-09-08.

Conditions:
Hereditary cancer-predisposing syndrome. Also called: Neoplastic Syndromes, Hereditary; Hereditary Cancer Syndrome; Tumor predisposition; Hereditary neoplastic syndrome. Identifiers: Orphanet 140162, MedGen C0027672, MeSH D009386, MONDO:0015356.
Hereditary breast ovarian cancer syndrome. Also called: Hereditary breast and ovarian cancer syndrome (HBOC); Breast and ovarian cancer; BRCA1- and BRCA2-Associated Hereditary Breast and Ovarian Cancer; Hereditary breast and ovarian cancer; Hereditary breast and/or ovarian cancer syndrome; Hereditary breast and ovarian cancer syndrome. Identifiers: Orphanet 145, MedGen C0677776, MeSH D061325, MONDO:0003582. Disease mechanism: loss of function.

Allele frequency attached by ClinVar (database versions not stated): gnomAD exomes below 0.00001 and 0.00001.
gnomAD v4.1: 5 of 1,612,958 alleles (0.00031%); highest among the groups gnomAD compares: South Asian, 0.0022%; no homozygotes.

Submissions (4):

Labcorp Genetics (formerly Invitae), Labcorp
Classification: Likely benign for Hereditary breast ovarian cancer syndrome. Last evaluated: 2025-09-08. Review status: criteria provided, single submitter. Criteria: Invitae Variant Classification Sherloc (09022015). Collection method: clinical testing. Allele origin: germline.

Ambry Genetics
Classification: Likely benign for Hereditary cancer-predisposing syndrome. Last evaluated: 2020-11-18. Review status: criteria provided, single submitter. Criteria: Ambry Variant Classification Scheme 2023. Collection method: clinical testing. Allele origin: germline.

Color Diagnostics, LLC DBA Color Health
Classification: Likely benign for Hereditary cancer-predisposing syndrome. Last evaluated: 2018-10-18. Review status: criteria provided, single submitter. Criteria: ACMG Guidelines, 2015. Collection method: clinical testing. Allele origin: germline.

GeneDx
Classification: Likely benign. Last evaluated: 2017-06-09. Review status: criteria provided, single submitter. Criteria: GeneDx Variant Classification (06012015). Collection method: clinical testing. Allele origin: germline. Affected: yes.
Comment: This variant is considered likely benign or benign based on one or more of the following criteria: it is a conservative change, it occurs at a poorly conserved position in the protein, it is predicted to be benign by multiple in silico algorithms, and/or has population frequency not consistent with disease.